The following is an entry in ClinVar:

NM_014339.7(IL17RA):c.2426C>A (p.Thr809Lys)

Gene: IL17RA (interleukin 17 receptor A; plus strand). Cytogenetic location: 22q11.1.
Variant type: single nucleotide variant.
Coding change: c.2426C>A on transcript NM_014339.7 (MANE Select); coding-DNA position 2426, C replaced by A.
Protein change: p.Thr809Lys; replaces threonine 809 with lysine.
Molecular consequence: missense variant.
Genome position (GRCh38, 1-based): chr22:17,109,645, C>A. VCF-style: chr22-17109645-C-A. GRCh37 (hg19) VCF-style: chr22-17590535-C-A.
Other names: c.2324C>A, p.Thr775Lys (NM_001289905.2); short protein forms T775K, T809K.
Identifiers: ClinVar variation 1305953 (VCV001305953.2), dbSNP rs376663042, ClinGen allele CA410222172.

ClinVar aggregate classification (germline): Uncertain significance (1 of 4 stars; one submission).

gnomAD v4.1: 2 of 1,607,894 alleles (0.00012%); highest among the groups gnomAD compares: Non-Finnish European, 0.00017%; no homozygotes.

Submission:

GeneDx
Classification: Uncertain significance. Last evaluated: 2019-05-17. Review status: criteria provided, single submitter. Criteria: GeneDx Variant Classification Process June 2021. Collection method: clinical testing. Allele origin: germline. Affected: yes.
Comment: Not observed in large population cohorts (Lek et al., 2016); In silico analysis, which includes protein predictors and evolutionary conservation, supports that this variant does not alter protein structure/function; Has not been previously published as pathogenic or benign to our knowledge; Variants in candidate genes are classified as variants of uncertain significance in accordance with ACMG guidelines (Richards et al., 2015)